The following is an entry in ClinVar:

ClinVar aggregate classification (germline): Likely benign. Review status: criteria provided, single submitter (1 of 4 stars). 2 submissions from 2 submitters: Likely benign (1). 1 of the submissions does not count toward it. Last evaluated 2021-12-01.

Conditions:
POLR3A-related disorder. Also called: POLR3A-related disorders; POLR3A-related condition. Identifiers: MedGen CN378587, MONDO:0700276.

Allele frequency attached by ClinVar (database versions not stated): TOPMed 0.00001; gnomAD 0.00001; gnomAD exomes 0.00001 and below 0.00001.

Submissions (2):

Labcorp Genetics (formerly Invitae), Labcorp
Classification: Likely benign. Last evaluated: 2021-12-01. Review status: criteria provided, single submitter. Criteria: Invitae Variant Classification Sherloc (09022015). Collection method: clinical testing. Allele origin: germline.

PreventionGenetics, part of Exact Sciences
Classification: Likely benign for POLR3A-related condition. Last evaluated: 2019-08-29. Review status: no assertion criteria provided. Collection method: clinical testing. Allele origin: germline. Not counted in ClinVar's aggregate classification.
Comment: This variant is classified as likely benign based on ACMG/AMP sequence variant interpretation guidelines (Richards et al. 2015 PMID: 25741868, with internal and published modifications).

NM_007055.4(POLR3A):c.1716G>T (p.Leu572=)

Gene: POLR3A (RNA polymerase III subunit A; minus strand). Cytogenetic location: 10q22.3.
Variant type: single nucleotide variant.
Coding change: c.1716G>T on transcript NM_007055.4 (MANE Select); coding-DNA position 1716, G replaced by T.
Protein change: p.Leu572=; no amino-acid change (leucine 572 retained).
Molecular consequence: synonymous variant.
Genome position (GRCh38, 1-based): chr10:78,009,918, C>A on the plus strand (G>T on the coding strand, the complement: POLR3A is on the minus strand). VCF-style: chr10-78009918-C-A. GRCh37 (hg19) VCF-style: chr10-79769676-C-A.
Identifiers: ClinVar variation 723042 (VCV000723042.10), dbSNP rs199523517, ClinGen allele CA210211483.
Genomic context (GRCh38, chr10:78,009,918, plus strand): 5'-ACACACCTTTAGGATTGTAGGCGGTGGGAGGCGAACTTTAATTTTCTCATCCTTGCCAAC[C>A]AGTATTGAAGCAATGATTTGGCAAGCCTTGGCTCGATCAAAGAAAGTGTCCTTGAGAGTG-3'
Protein context (NP_008986.2, residues 562-582): AKACQIIASI[Leu572=]VGKDEKIKVR